The following is an entry in ClinVar:

ClinVar aggregate classification (germline): Uncertain significance (1 of 4 stars; one submission).

Conditions:
Peutz-Jeghers syndrome (PJS). Also called: Peutz-Jeghers polyposis; Periorificial lentiginosis syndrome; POLYPOSIS, HAMARTOMATOUS INTESTINAL; POLYPS-AND-SPOTS SYNDROME. Identifiers: Orphanet 2869, MedGen C0031269, MeSH D010580, MONDO:0008280, OMIM 175200.

Submission:

Labcorp Genetics (formerly Invitae), Labcorp
Classification: Uncertain significance for Peutz-Jeghers syndrome. Last evaluated: 2022-10-31. Review status: criteria provided, single submitter. Criteria: Invitae Variant Classification Sherloc (09022015). Collection method: clinical testing. Allele origin: germline.
Comment: This variant results in a copy number gain of the genomic region encompassing exon(s) 1 of the STK11 gene. This region includes the initiator codon of the gene. This copy number gain extends beyond the assayed region for this gene and therefore may encompass additional genes. As the precise location of this event is unknown, it may be in tandem or it may be located elsewhere in the genome. This variant has not been reported in the literature in individuals affected with STK11-related conditions. In summary, the available evidence is currently insufficient to determine the role of this variant in disease. Therefore, it has been classified as a Variant of Uncertain Significance.

NC_000019.10:g.(?_1206914)_(1207213_?)dup

Gene: STK11 (serine/threonine kinase 11; plus strand). Cytogenetic location: 19p13.3.
Variant type: Duplication.
Identifiers: ClinVar variation 832320 (VCV000832320.5).